The following is an entry in ClinVar:

ClinVar aggregate classification (germline): Likely benign (1 of 4 stars; one submission).

Allele frequency attached by ClinVar (database versions not stated): 1000 Genomes Project 30x 0.00422; ExAC 0.00450; 1000 Genomes Project 0.00399.
gnomAD v4.1: 2,328 of 701,848 alleles (0.33%); highest among the groups gnomAD compares: Middle Eastern, 1%; 12 homozygotes.

Submission:

CeGaT Center for Human Genetics Tuebingen
Classification: Likely benign. Last evaluated: 2025-05-01. Review status: criteria provided, single submitter. Criteria: CeGaT Center For Human Genetics Tuebingen Variant Classification Criteria Version 2. Collection method: clinical testing. Allele origin: germline. Affected: yes. Observed: 5 variant alleles.
Comment: DCLRE1C: BP4, BS2; SUV39H2: BS2

NM_001193424.2(SUV39H2):c.850-352G>A

Genes: DCLRE1C (DNA cross-link repair 1C; minus strand), SUV39H2 (SUV39H2 histone lysine methyltransferase; plus strand). Cytogenetic location: 10p13.
Variant type: single nucleotide variant.
Coding change: c.850-352G>A on transcript NM_001193424.2 (MANE Select); 352 bases into the intron before coding-DNA position 850, G replaced by A.
Molecular consequence: intron variant. On other transcripts: 3 prime UTR variant (3), non-coding transcript variant (1).
Genome position (GRCh38, 1-based): chr10:14,899,187, G>A. VCF-style: chr10-14899187-G-A. GRCh37 (hg19) VCF-style: chr10-14941186-G-A.
Other names: c.*63C>T (NM_001350965.2, NM_001350966.2, NM_001350967.2); c.670-352G>A (NM_024670.4, NM_001193425.2); c.130-352G>A (NM_001193427.2); c.310-352G>A (NM_001193426.2).
Identifiers: ClinVar variation 1694558 (VCV001694558.28), dbSNP rs148343292, ClinGen allele CA5416227.